The following is an entry in ClinVar:

NM_001039469.3(MARK2):c.2309G>A (p.Gly770Asp)

Gene: MARK2 (microtubule affinity regulating kinase 2; plus strand). Cytogenetic location: 11q13.1.
Variant type: single nucleotide variant.
Coding change: c.2309G>A on transcript NM_001039469.3 (MANE Select); coding-DNA position 2309, G replaced by A.
Protein change: p.Gly770Asp; replaces glycine 770 with aspartic acid.
Molecular consequence: missense variant.
Genome position (GRCh38, 1-based): chr11:63,909,179, G>A. VCF-style: chr11-63909179-G-A. GRCh37 (hg19) VCF-style: chr11-63676651-G-A.
Other names: c.2102G>A, p.Gly701Asp (NM_001163296.2); c.2072G>A, p.Gly691Asp (NM_001163297.2); c.2117G>A, p.Gly706Asp (NM_004954.5); c.2180G>A, p.Gly727Asp (NM_017490.4); short protein forms G691D, G701D, G706D, G727D, G770D.
Identifiers: ClinVar variation 4532117 (VCV004532117.1).

ClinVar aggregate classification (germline): Likely pathogenic (1 of 4 stars; one submission).

Conditions:
Neurodevelopmental disorder. Identifiers: MedGen C1535926, MeSH D065886, MONDO:0700092.

Submission:

Victorian Clinical Genetics Services, Murdoch Childrens Research Institute
Classification: Likely pathogenic for Neurodevelopmental disorder. Last evaluated: 2025-06-12. Review status: criteria provided, single submitter. Criteria: ACMG Guidelines, 2015. Collection method: clinical testing. Allele origin: germline. Affected: yes.
Comment: This variant is classified as Likely pathogenic. Evidence in support of pathogenic classification: Variant is absent from gnomAD (v2, v3 and v4); Missense variant predicted to be damaging by in silico tool(s) or highly conserved with a major amino acid change; Additional information: Variant is predicted to result in a missense amino acid change from glycine to aspartic acid; This variant is heterozygous; This gene is associated with autosomal dominant disease; This variant has no previous evidence of pathogenicity; No published segregation evidence has been identified for this variant; No published functional evidence has been identified for this variant; No comparable missense variants have previous evidence for pathogenicity; Variant is located in the annotated kinesin association domain 1 (DECIPHER); Loss of function is a known mechanism of disease in this gene and is associated with neurodevelopmental disorder (MONDO:0700092), MARK2-related (PMID: 39419027).

Literature cited by the submitters: PubMed 39419027.